The following is an entry in ClinVar:

ClinVar aggregate classification (germline): Uncertain significance (1 of 4 stars; one submission).

Submission:

Women's Health and Genetics/Laboratory Corporation of America, LabCorp
Classification: Uncertain significance. Last evaluated: 2023-08-25. Review status: criteria provided, single submitter. Criteria: LabCorp Variant Classification Summary - May 2015. Collection method: clinical testing. Allele origin: germline.
Comment: Variant summary: ATP2B1 c.3055G>C (p.Val1019Leu) results in a conservative amino acid change located in the cation-transporting P-type ATPase, C-terminal domain (IPR006068) of the encoded protein sequence. Four of five in-silico tools predict a benign effect of the variant on protein function. The variant was absent in 250126 control chromosomes (gnomAD). The available data on variant occurrences in the general population are insufficient to allow any conclusion about variant significance. To our knowledge, no occurrence of c.3055G>C in individuals affected with Autosomal Dominant Intellectual Developmental Disorder and no experimental evidence demonstrating its impact on protein function have been reported. No submitters have cited clinical-significance assessments for this variant to ClinVar after 2014. Based on the evidence outlined above, the variant was classified as uncertain significance.

NM_001366521.1(ATP2B1):c.3055G>C (p.Val1019Leu)

Gene: ATP2B1 (ATPase plasma membrane Ca2+ transporting 1; minus strand). Cytogenetic location: 12q21.33.
Variant type: single nucleotide variant.
Coding change: c.3055G>C on transcript NM_001366521.1 (MANE Select); coding-DNA position 3055, G replaced by C.
Protein change: p.Val1019Leu; replaces valine 1019 with leucine.
Molecular consequence: missense variant. On other transcripts: non-coding transcript variant (3).
Genome position (GRCh38, 1-based): chr12:89,603,048, C>G on the plus strand (G>C on the coding strand, the complement: ATP2B1 is on the minus strand). VCF-style: chr12-89603048-C-G. GRCh37 (hg19) VCF-style: chr12-89996825-C-G.
Other names: c.3055G>C, p.Val1019Leu (NM_001001323.2, NM_001366520.1, NM_001366522.1 and 12 more transcripts); c.2857G>C, p.Val953Leu (NM_001366530.1, NM_001413053.1); c.2494G>C, p.Val832Leu (NM_001366531.1, NM_001366532.1, NM_001413058.1 and 2 more transcripts); c.3016G>C, p.Val1006Leu (NM_001413048.1); c.2914G>C, p.Val972Leu (NM_001413051.1, NM_001413052.1, NM_001413055.1); c.2812G>C, p.Val938Leu (NM_001413054.1); c.2800G>C, p.Val934Leu (NM_001413056.1); c.2602G>C, p.Val868Leu (NM_001413057.1); short protein forms V1006L, V1019L, V832L, V868L, V934L, V938L, V953L, V972L.
Identifiers: ClinVar variation 2581374 (VCV002581374.1), dbSNP rs2540784500, ClinGen allele CA386001601.